The following is an entry in ClinVar:

NM_002361.4(MAG):c.619A>G (p.Thr207Ala)

Gene: MAG (myelin associated glycoprotein; plus strand). Cytogenetic location: 19q13.12.
Variant type: single nucleotide variant.
Coding change: c.619A>G on transcript NM_002361.4 (MANE Select); coding-DNA position 619, A replaced by G.
Protein change: p.Thr207Ala; replaces threonine 207 with alanine.
Molecular consequence: missense variant.
Genome position (GRCh38, 1-based): chr19:35,299,757, A>G. VCF-style: chr19-35299757-A-G. GRCh37 (hg19) VCF-style: chr19-35790660-A-G.
Other names: c.544A>G, p.Thr182Ala (NM_001199216.2); c.619A>G, p.Thr207Ala (NM_080600.3); short protein forms T182A, T207A.
Identifiers: ClinVar variation 2081886 (VCV002081886.4), dbSNP rs1014401588, ClinGen allele CA307754288.

ClinVar aggregate classification (germline): Uncertain significance. Review status: criteria provided, multiple submitters, no conflicts (2 of 4 stars). 2 submissions from 2 submitters: Uncertain significance (2). Last evaluated 2022-12-02.

Conditions:
Hereditary spastic paraplegia 75. Also called: Spastic paraplegia 75, autosomal recessive. Identifiers: Orphanet 459056, MedGen C4225250, MONDO:0014729, OMIM 616680.
Inborn genetic diseases. Identifiers: MedGen C0950123, MeSH D030342.

Allele frequency attached by ClinVar (database versions not stated): gnomAD exomes below 0.00001.
gnomAD v4.1: 2 of 1,554,384 alleles (0.00013%); highest among the groups gnomAD compares: Non-Finnish European, 0.000087%; no homozygotes.

Submissions (2):

Ambry Genetics
Classification: Uncertain significance for Inborn genetic diseases. Last evaluated: 2022-12-02. Review status: criteria provided, single submitter. Criteria: Ambry Variant Classification Scheme 2023. Collection method: clinical testing. Allele origin: germline.

Labcorp Genetics (formerly Invitae), Labcorp
Classification: Uncertain significance for Hereditary spastic paraplegia 75. Last evaluated: 2021-12-09. Review status: criteria provided, single submitter. Criteria: Invitae Variant Classification Sherloc (09022015). Collection method: clinical testing. Allele origin: germline.
Comment: This variant has not been reported in the literature in individuals affected with MAG-related conditions. This variant is not present in population databases (gnomAD no frequency). This sequence change replaces threonine, which is neutral and polar, with alanine, which is neutral and non-polar, at codon 207 of the MAG protein (p.Thr207Ala). Algorithms developed to predict the effect of missense changes on protein structure and function (SIFT, PolyPhen-2, Align-GVGD) all suggest that this variant is likely to be tolerated. In summary, the available evidence is currently insufficient to determine the role of this variant in disease. Therefore, it has been classified as a Variant of Uncertain Significance.